The following is an entry in ClinVar:

NM_025114.4(CEP290):c.6553G>C (p.Gly2185Arg)

Gene: CEP290 (centrosomal protein 290; minus strand). Cytogenetic location: 12q21.32.
Variant type: single nucleotide variant.
Coding change: c.6553G>C on transcript NM_025114.4 (MANE Select); coding-DNA position 6553, G replaced by C.
Protein change: p.Gly2185Arg; replaces glycine 2185 with arginine.
Molecular consequence: missense variant.
Genome position (GRCh38, 1-based): chr12:88,059,990, C>G on the plus strand (G>C on the coding strand, the complement: CEP290 is on the minus strand). VCF-style: chr12-88059990-C-G. GRCh37 (hg19) VCF-style: chr12-88453767-C-G.
Other names: short protein forms G2185R.
Identifiers: ClinVar variation 2167491 (VCV002167491.1), dbSNP rs770515697, ClinGen allele CA6711475.
Genomic context (GRCh38, chr12:88,059,990, plus strand): 5'-CAGCAATAATTTTTTCTGTGCCTTTGGTCTTGGATTCATAGTGCATGCTCAACTGATGCC[C>G]AAGATGAGCTTTAAGTTTTTCTAATTCAGCCTAGTAAAAAAACAAACAAAATAAAAAGTA-3'
Protein context (NP_079390.3, residues 2175-2195): AELEKLKAHL[Gly2185Arg]HQLSMHYESK

ClinVar aggregate classification (germline): Uncertain significance (1 of 4 stars; one submission).

Conditions:
Joubert syndrome. Also called: CEREBELLOPARENCHYMAL DISORDER IV; JOUBERT-BOLTSHAUSER SYNDROME; Familial aplasia of the vermis. Identifiers: Orphanet 475, MedGen C5979921, MONDO:0018772.
Nephronophthisis. Also called: Juvenile Nephronophthisis. Identifiers: Orphanet 655, MedGen C0687120, MONDO:0019005, HP:0000090.
Meckel-Gruber syndrome. Also called: DYSENCEPHALIA SPLANCHNOCYSTICA; GRUBER SYNDROME; Dysencephalia splachnocystica. Identifiers: Orphanet 564, MedGen C0265215, MONDO:0018921.

Allele frequency attached by ClinVar (database versions not stated): gnomAD exomes below 0.00001.

Submission:

Labcorp Genetics (formerly Invitae), Labcorp
Classification: Uncertain significance for Joubert syndrome; Meckel-Gruber syndrome; Nephronophthisis. Last evaluated: 2021-09-17. Review status: criteria provided, single submitter. Criteria: Invitae Variant Classification Sherloc (09022015). Collection method: clinical testing. Allele origin: germline.
Comment: This sequence change replaces glycine with arginine at codon 2185 of the CEP290 protein (p.Gly2185Arg). The glycine residue is moderately conserved and there is a moderate physicochemical difference between glycine and arginine. This variant is present in population databases (rs770515697, ExAC 0.005%). This variant has not been reported in the literature in individuals with CEP290-related conditions. Algorithms developed to predict the effect of missense changes on protein structure and function are either unavailable or do not agree on the potential impact of this missense change (SIFT: "Deleterious"; PolyPhen-2: "Probably Damaging"; Align-GVGD: "Class C0"). In summary, the available evidence is currently insufficient to determine the role of this variant in disease. Therefore, it has been classified as a Variant of Uncertain Significance.